The following is an entry in ClinVar:

NM_194248.3(OTOF):c.578G>T (p.Arg193Ile)

Genes: OTOF (otoferlin; minus strand), LOC129933336 (ATAC-STARR-seq lymphoblastoid silent region 11274; plus strand). Cytogenetic location: 2p23.3.
Variant type: single nucleotide variant.
Coding change: c.578G>T on transcript NM_194248.3 (MANE Select); coding-DNA position 578, G replaced by T.
Protein change: p.Arg193Ile; replaces arginine 193 with isoleucine.
Molecular consequence: missense variant.
Genome position (GRCh38, 1-based): chr2:26,503,777, C>A on the plus strand (G>T on the coding strand, the complement: OTOF is on the minus strand). VCF-style: chr2-26503777-C-A. GRCh37 (hg19) VCF-style: chr2-26726645-C-A.
Other names: c.578G>T, p.Arg193Ile (NM_001287489.2); short protein forms R193I.
Identifiers: ClinVar variation 198287 (VCV000198287.23), dbSNP rs139779680, ClinGen allele CA246843.

ClinVar aggregate classification (germline): Conflicting classifications of pathogenicity. Review status: criteria provided, conflicting classifications (1 of 4 stars). 7 submissions from 7 submitters: Uncertain significance (2); Likely benign (4). 1 of the submissions does not count toward it. Last evaluated 2026-01-11.

Conditions:
OTOF-related disorder. Also called: OTOF-related condition.
Inborn genetic diseases. Identifiers: MedGen C0950123, MeSH D030342.

Allele frequency attached by ClinVar (database versions not stated): ExAC 0.00026; gnomAD exomes 0.00027; 1000 Genomes Project 0.00080; ESP Exome Variant Server 0.00085; 1000 Genomes Project 30x 0.00109; gnomAD 0.00112 and 0.00127; TOPMed 0.00132.

Submissions (7):

Labcorp Genetics (formerly Invitae), Labcorp
Classification: Likely benign. Last evaluated: 2026-01-11. Review status: criteria provided, single submitter. Criteria: Invitae Variant Classification Sherloc (09022015). Collection method: clinical testing. Allele origin: germline.

Ambry Genetics
Classification: Uncertain significance for Inborn genetic diseases. Last evaluated: 2025-11-04. Review status: criteria provided, single submitter. Criteria: Ambry Variant Classification Scheme 2023. Collection method: clinical testing. Allele origin: germline.

Blueprint Genetics
Classification: Likely benign. Last evaluated: 2024-06-05. Review status: criteria provided, single submitter. Criteria: ACMG Guidelines, 2015. Collection method: clinical testing. Allele origin: germline.

GeneDx
Classification: Likely benign. Last evaluated: 2020-06-30. Review status: criteria provided, single submitter. Criteria: GeneDx Variant Classification Process June 2021. Collection method: clinical testing. Allele origin: germline. Affected: yes.

Laboratory for Molecular Medicine, Mass General Brigham Personalized Medicine
Classification: Likely benign. Last evaluated: 2018-08-08. Review status: criteria provided, single submitter. Criteria: LMM Criteria. Collection method: clinical testing. Allele origin: germline. Observed: 1 variant allele.
Comment: The p.Arg193Ile variant in OTOF is classified as likely benign because it has be en identified in 0.4% (95/24028) of African chromosomes by the Genome Aggregatio n Database (gnomAD). ACMG/AMP Criteria applied : BS1.

Eurofins Ntd Llc (ga)
Classification: Uncertain significance. Last evaluated: 2015-05-20. Review status: criteria provided, single submitter. Criteria: EGL Classification Definitions 2015. Collection method: clinical testing. Allele origin: germline. Observed: 1 variant allele, 1 heterozygote.

PreventionGenetics, part of Exact Sciences
Classification: Likely benign for OTOF-related condition. Last evaluated: 2024-06-17. Review status: no assertion criteria provided. Collection method: clinical testing. Allele origin: germline. Not counted in ClinVar's aggregate classification.
Comment: This variant is classified as likely benign based on ACMG/AMP sequence variant interpretation guidelines (Richards et al. 2015 PMID: 25741868, with internal and published modifications).